The following is an entry in ClinVar:

NM_004260.4(RECQL4):c.3191G>A (p.Arg1064His)

Gene: RECQL4 (RecQ like helicase 4; minus strand). Cytogenetic location: 8q24.3.
Variant type: single nucleotide variant.
Coding change: c.3191G>A on transcript NM_004260.4 (MANE Select); coding-DNA position 3191, G replaced by A.
Protein change: p.Arg1064His; replaces arginine 1064 with histidine.
Molecular consequence: missense variant.
Genome position (GRCh38, 1-based): chr8:144,512,189, C>T on the plus strand (G>A on the coding strand, the complement: RECQL4 is on the minus strand). VCF-style: chr8-144512189-C-T. GRCh37 (hg19) VCF-style: chr8-145737572-C-T.
Other names: short protein forms R1064H.
Identifiers: ClinVar variation 407008 (VCV000407008.9), dbSNP rs757703895, ClinGen allele CA4947893.
Genomic context (GRCh38, chr8:144,512,189, plus strand): 5'-CCGCCTCCTCCCAACCTGTGAAAGGCCTGGAAGGTTCTGCGCAGACGGGCCAGGGCCTGG[C>T]GCTCCCGGGCCTGCACACGGCCATAGAGGAAGTCACATATCTGGTCCTTCTCCTCAGCGG-3'
Protein context (NP_004251.4, residues 1054-1074): FLYGRVQARE[Arg1064His]QALARLRRTF

ClinVar aggregate classification (germline): Uncertain significance. Review status: criteria provided, multiple submitters, no conflicts (2 of 4 stars). 2 submissions from 2 submitters: Uncertain significance (2). Last evaluated 2026-01-01.

Conditions:
Baller-Gerold syndrome (BGS). Also called: CRANIOSYNOSTOSIS WITH RADIAL DEFECTS. Identifiers: Orphanet 1225, MedGen C0265308, MONDO:0009039, OMIM 218600.

Allele frequency attached by ClinVar (database versions not stated): ExAC 0.00001; gnomAD 0.00001; gnomAD exomes 0.00001; TOPMed 0.00001.
gnomAD v4.1: 43 of 1,611,520 alleles (0.0027%); highest among the groups gnomAD compares: East Asian, 0.0089%; 1 homozygote.

Submissions (2):

Labcorp Genetics (formerly Invitae), Labcorp
Classification: Uncertain significance for Baller-Gerold syndrome. Last evaluated: 2026-01-01. Review status: criteria provided, single submitter. Criteria: Invitae Variant Classification Sherloc (09022015). Collection method: clinical testing. Allele origin: germline.
Comment: This sequence change replaces arginine, which is basic and polar, with histidine, which is basic and polar, at codon 1064 of the RECQL4 protein (p.Arg1064His). This variant is present in population databases (rs757703895, gnomAD 0.006%). This variant has not been reported in the literature in individuals affected with RECQL4-related conditions. ClinVar contains an entry for this variant (Variation ID: 407008). Invitae Evidence Modeling of protein sequence and biophysical properties (such as structural, functional, and spatial information, amino acid conservation, physicochemical variation, residue mobility, and thermodynamic stability) indicates that this missense variant is not expected to disrupt RECQL4 protein function with a negative predictive value of 80%. In summary, the available evidence is currently insufficient to determine the role of this variant in disease. Therefore, it has been classified as a Variant of Uncertain Significance.

Blueprint Genetics
Classification: Uncertain significance. Last evaluated: 2023-04-04. Review status: criteria provided, single submitter. Criteria: ACMG Guidelines, 2015. Collection method: clinical testing. Allele origin: germline.